The following is an entry in ClinVar:

NM_181078.3(IL21R):c.512C>T (p.Pro171Leu)

Gene: IL21R (interleukin 21 receptor; plus strand). Cytogenetic location: 16p12.1.
Variant type: single nucleotide variant.
Coding change: c.512C>T on transcript NM_181078.3 (MANE Select); coding-DNA position 512, C replaced by T.
Protein change: p.Pro171Leu; replaces proline 171 with leucine.
Molecular consequence: missense variant.
Genome position (GRCh38, 1-based): chr16:27,444,546, C>T. VCF-style: chr16-27444546-C-T. GRCh37 (hg19) VCF-style: chr16-27455867-C-T.
Other names: c.512C>T, p.Pro171Leu (NM_021798.4); c.578C>T, p.Pro193Leu (NM_181079.5); c.578C>T (NM_181079.4); short protein forms P193L, P171L.
Identifiers: ClinVar variation 954996 (VCV000954996.10), dbSNP rs367586016, ClinGen allele CA7975002.
Genomic context (GRCh38, chr16:27,444,546, plus strand): 5'-GCAGGGGCTGGCCTGGTTTAACCCTGACCTGGTGCATCCTTTCCTTGTACTGGCAGAGTC[C>T]GAGGAGAAAGCTGATCTCAGTGGACTCAAGAAGTGTCTCCCTCCTCCCCCTGGAGTTCCG-3'
Protein context (NP_851564.1, residues 161-181): RNRGDPWAVS[Pro171Leu]RRKLISVDSR

ClinVar aggregate classification (germline): Uncertain significance. Review status: criteria provided, multiple submitters, no conflicts (2 of 4 stars). 2 submissions from 2 submitters: Uncertain significance (2). Last evaluated 2024-11-11.

Conditions:
Inborn genetic diseases. Identifiers: MedGen C0950123, MeSH D030342.
Cryptosporidiosis-chronic cholangitis-liver disease syndrome. Also called: Immunodeficiency type 56; IL21R immunodeficiency. Identifiers: Orphanet 357329, MedGen C3554687, MONDO:0014082, OMIM 615207.

Allele frequency attached by ClinVar (database versions not stated): gnomAD exomes 0.00001 and 0.00003; TOPMed 0.00001; ExAC 0.00003; ESP Exome Variant Server 0.00008.
gnomAD v4.1: 40 of 1,503,676 alleles (0.0027%); highest among the groups gnomAD compares: African/African-American, 0.0043%; no homozygotes.

Submissions (2):

Labcorp Genetics (formerly Invitae), Labcorp
Classification: Uncertain significance for Cryptosporidiosis-chronic cholangitis-liver disease syndrome. Last evaluated: 2024-11-11. Review status: criteria provided, single submitter. Criteria: Invitae Variant Classification Sherloc (09022015). Collection method: clinical testing. Allele origin: germline.
Comment: This sequence change replaces proline, which is neutral and non-polar, with leucine, which is neutral and non-polar, at codon 171 of the IL21R protein (p.Pro171Leu). This variant is present in population databases (rs367586016, gnomAD 0.008%). This variant has not been reported in the literature in individuals affected with IL21R-related conditions. ClinVar contains an entry for this variant (Variation ID: 954996). Invitae Evidence Modeling of protein sequence and biophysical properties (such as structural, functional, and spatial information, amino acid conservation, physicochemical variation, residue mobility, and thermodynamic stability) has been performed for this missense variant. However, the output from this modeling did not meet the statistical confidence thresholds required to predict the impact of this variant on IL21R protein function. In summary, the available evidence is currently insufficient to determine the role of this variant in disease. Therefore, it has been classified as a Variant of Uncertain Significance.

Ambry Genetics
Classification: Uncertain significance for Inborn genetic diseases. Last evaluated: 2022-07-26. Review status: criteria provided, single submitter. Criteria: Ambry Variant Classification Scheme 2023. Collection method: clinical testing. Allele origin: germline.